The following is an entry in ClinVar:

ClinVar aggregate classification (germline): Likely benign (0 of 4 stars; one submission).

Conditions:
PIK3C2B-related disorder. Also called: PIK3C2B-related condition.

gnomAD v4.1: 549 of 1,613,046 alleles (0.034%); highest among the groups gnomAD compares: African/African-American, 0.63%; 3 homozygotes.

Submission:

PreventionGenetics, part of Exact Sciences
Classification: Likely benign for PIK3C2B-related condition. Last evaluated: 2024-08-28. Review status: no assertion criteria provided. Collection method: clinical testing. Allele origin: germline.
Comment: This variant is classified as likely benign based on ACMG/AMP sequence variant interpretation guidelines (Richards et al. 2015 PMID: 25741868, with internal and published modifications).

NM_001377334.1(PIK3C2B):c.3048+7G>A

Gene: PIK3C2B (phosphatidylinositol-4-phosphate 3-kinase catalytic subunit type 2 beta; minus strand). Cytogenetic location: 1q32.1.
Variant type: single nucleotide variant.
Coding change: c.3048+7G>A on transcript NM_001377334.1 (MANE Select); 7 bases into the intron after coding-DNA position 3048, G replaced by A.
Molecular consequence: intron variant.
Genome position (GRCh38, 1-based): chr1:204,443,410, C>T on the plus strand (G>A on the coding strand, the complement: PIK3C2B is on the minus strand). VCF-style: chr1-204443410-C-T. GRCh37 (hg19) VCF-style: chr1-204412538-C-T.
Other names: c.2964+7G>A (NM_001377335.1); c.3048+7G>A (NM_002646.4).
Identifiers: ClinVar variation 3352846 (VCV003352846.1).
Genomic context (GRCh38, chr1:204,443,410, plus strand): 5'-CCTAAGAAGAAACTGGCTGCCAAAGCCCTGGATGAGAAATGGGTAGGGGCAGCCTCACCC[C>T]ACTAACCTGCCTTGCAGATGGGGCTGCCTCCCGGACCTGCTGGGCCAGTTTGGCCAGGGC-3'